The following is an entry in ClinVar:

ClinVar aggregate classification (germline): Uncertain significance. Review status: criteria provided, multiple submitters, no conflicts (2 of 4 stars). 2 submissions from 2 submitters: Uncertain significance (2). Last evaluated 2024-04-04.

Conditions:
Arrhythmogenic cardiomyopathy with wooly hair and keratoderma. Also called: Arrhythmogenic cardiomyopathy with woolly hair and keratoderma; Dilated cardiomyopathy with woolly hair and keratoderma; PALMOPLANTAR KERATODERMA WITH LEFT VENTRICULAR CARDIOMYOPATHY AND WOOLLY HAIR; Carvajal syndrome. Identifiers: Orphanet 65282, MedGen C1854063, MONDO:0011581, OMIM 605676.
Arrhythmogenic right ventricular dysplasia 8 (ARVD8). Also called: Arrhythmogenic Right Ventricular Dysplasia/Cardiomyopathy 8; ARRHYTHMOGENIC RIGHT VENTRICULAR DYSPLASIA, FAMILIAL, 8; ARRHYTHMOGENIC RIGHT VENTRICULAR CARDIOMYOPATHY 8. Identifiers: MedGen C1843896, MONDO:0011831, OMIM 607450.

Allele frequency attached by ClinVar (database versions not stated): gnomAD exomes below 0.00001.
gnomAD v4.1: 4 of 1,614,146 alleles (0.00025%); highest among the groups gnomAD compares: East Asian, 0.0022%; no homozygotes.

Submissions (2):

Labcorp Genetics (formerly Invitae), Labcorp
Classification: Uncertain significance for Arrhythmogenic cardiomyopathy with wooly hair and keratoderma; Arrhythmogenic right ventricular dysplasia 8. Last evaluated: 2024-04-04. Review status: criteria provided, single submitter. Criteria: Invitae Variant Classification Sherloc (09022015). Collection method: clinical testing. Allele origin: germline.
Comment: This sequence change replaces glutamic acid, which is acidic and polar, with lysine, which is basic and polar, at codon 2748 of the DSP protein (p.Glu2748Lys). This variant is present in population databases (no rsID available, gnomAD 0.0009%). This variant has not been reported in the literature in individuals affected with DSP-related conditions. An algorithm developed to predict the effect of missense changes on protein structure and function (PolyPhen-2) suggests that this variant is likely to be disruptive. In summary, the available evidence is currently insufficient to determine the role of this variant in disease. Therefore, it has been classified as a Variant of Uncertain Significance.

All of Us Research Program, National Institutes of Health
Classification: Uncertain significance for Arrhythmogenic cardiomyopathy with wooly hair and keratoderma. Last evaluated: 2024-03-05. Review status: criteria provided, single submitter. Criteria: ACMG Guidelines, 2015. Collection method: clinical testing. Allele origin: germline. Inheritance: Autosomal dominant inheritance. Observed: 2 variant alleles, 2 heterozygotes.
Comment: This study involves interpretation of variants in research participants for the purpose of population health screening. Participant phenotype was not available at the time of variant classification. Additional details can be found in publication PMID: 35346344, PMCID: PMC8962531

NM_004415.4(DSP):c.8242G>A (p.Glu2748Lys)

Gene: DSP (desmoplakin; plus strand). Cytogenetic location: 6p24.3.
Variant type: single nucleotide variant.
Coding change: c.8242G>A on transcript NM_004415.4 (MANE Select); coding-DNA position 8242, G replaced by A.
Protein change: p.Glu2748Lys; replaces glutamic acid 2748 with lysine.
Molecular consequence: missense variant.
Genome position (GRCh38, 1-based): chr6:7,585,504, G>A. VCF-style: chr6-7585504-G-A. GRCh37 (hg19) VCF-style: chr6-7585737-G-A.
Other names: c.6445G>A, p.Glu2149Lys (NM_001008844.3); c.6913G>A, p.Glu2305Lys (NM_001319034.2); short protein forms E2305K, E2149K, E2748K.
Identifiers: ClinVar variation 2930405 (VCV002930405.5), dbSNP rs1179250325, ClinGen allele CA362694741.